The following is an entry in ClinVar:

NM_020937.4(FANCM):c.5881G>A (p.Val1961Ile)

Gene: FANCM (FA complementation group M; plus strand). Cytogenetic location: 14q21.2.
Variant type: single nucleotide variant.
Coding change: c.5881G>A on transcript NM_020937.4 (MANE Select); coding-DNA position 5881, G replaced by A.
Protein change: p.Val1961Ile; replaces valine 1961 with isoleucine.
Molecular consequence: missense variant.
Genome position (GRCh38, 1-based): chr14:45,198,808, G>A. VCF-style: chr14-45198808-G-A. GRCh37 (hg19) VCF-style: chr14-45668011-G-A.
Other names: c.5803G>A, p.Val1935Ile (NM_001308133.2); short protein forms V1935I, V1961I.
Identifiers: ClinVar variation 1810104 (VCV001810104.4), dbSNP rs753648770, ClinGen allele CA7170082.

ClinVar aggregate classification (germline): Uncertain significance. Review status: criteria provided, multiple submitters, no conflicts (2 of 4 stars). 3 submissions from 3 submitters: Uncertain significance (3). Last evaluated 2025-03-07.

Conditions:
Fanconi anemia (FA). Also called: Fanconi's anemia. Identifiers: Orphanet 84, MedGen C0015625, MeSH D005199, MONDO:0019391.
Inborn genetic diseases. Identifiers: MedGen C0950123, MeSH D030342.

Allele frequency attached by ClinVar (database versions not stated): ExAC 0.00001; gnomAD exomes 0.00001.
gnomAD v4.1: 3 of 1,613,790 alleles (0.00019%); highest among the groups gnomAD compares: South Asian, 0.0033%; no homozygotes.

Submissions (3):

Ambry Genetics
Classification: Uncertain significance for Inborn genetic diseases. Last evaluated: 2025-03-07. Review status: criteria provided, single submitter. Criteria: Ambry Variant Classification Scheme 2023. Collection method: clinical testing. Allele origin: germline.
Comment: The p.V1961I variant (also known as c.5881G>A), located in coding exon 22 of the FANCM gene, results from a G to A substitution at nucleotide position 5881. The valine at codon 1961 is replaced by isoleucine, an amino acid with highly similar properties. This amino acid position is conserved. In addition, this alteration is predicted to be tolerated by in silico analysis. Based on the available evidence, the clinical significance of this variant remains unclear.

Labcorp Genetics (formerly Invitae), Labcorp
Classification: Uncertain significance for Fanconi anemia. Last evaluated: 2024-05-19. Review status: criteria provided, single submitter. Criteria: Invitae Variant Classification Sherloc (09022015). Collection method: clinical testing. Allele origin: germline.
Comment: This sequence change replaces valine, which is neutral and non-polar, with isoleucine, which is neutral and non-polar, at codon 1961 of the FANCM protein (p.Val1961Ile). This variant is present in population databases (rs753648770, gnomAD 0.003%). This variant has not been reported in the literature in individuals affected with FANCM-related conditions. ClinVar contains an entry for this variant (Variation ID: 1810104). Algorithms developed to predict the effect of missense changes on protein structure and function output the following: SIFT: "Not Available"; PolyPhen-2: "Benign"; Align-GVGD: "Not Available". The isoleucine amino acid residue is found in multiple mammalian species, which suggests that this missense change does not adversely affect protein function. In summary, the available evidence is currently insufficient to determine the role of this variant in disease. Therefore, it has been classified as a Variant of Uncertain Significance.

GeneDx
Classification: Uncertain significance. Last evaluated: 2022-06-30. Review status: criteria provided, single submitter. Criteria: GeneDx Variant Classification Process June 2021. Collection method: clinical testing. Allele origin: germline. Affected: yes.
Comment: Not observed at significant frequency in large population cohorts (gnomAD); In silico analysis supports that this missense variant does not alter protein structure/function; Has not been previously published as pathogenic or benign to our knowledge